The following is an entry in ClinVar:

NM_001171613.2(PREPL):c.304G>C (p.Asp102His)

Gene: PREPL (prolyl endopeptidase like; minus strand). Cytogenetic location: 2p21.
Variant type: single nucleotide variant.
Coding change: c.304G>C on transcript NM_001171613.2 (MANE Select); coding-DNA position 304, G replaced by C.
Protein change: p.Asp102His; replaces aspartic acid 102 with histidine.
Molecular consequence: missense variant.
Genome position (GRCh38, 1-based): chr2:44,343,790, C>G on the plus strand (G>C on the coding strand, the complement: PREPL is on the minus strand). VCF-style: chr2-44343790-C-G. GRCh37 (hg19) VCF-style: chr2-44570929-C-G.
Other names: c.571G>C, p.Asp191His (NM_001042385.2, NM_001042386.2, NM_001171603.1 and 4 more transcripts); c.304G>C, p.Asp102His (NM_001171617.1, NM_001374277.1); short protein forms D102H, D191H.
Identifiers: ClinVar variation 2165156 (VCV002165156.4), dbSNP rs761397318, ClinGen allele CA1641546.

ClinVar aggregate classification (germline): Uncertain significance (1 of 4 stars; one submission).

Conditions:
Myasthenic syndrome, congenital, 22 (CMS22). Also called: PREPL DEFICIENCY. Identifiers: MedGen C4479088, MONDO:0044299, OMIM 616224.

gnomAD v4.1: 3 of 1,613,882 alleles (0.00019%); highest among the groups gnomAD compares: African/African-American, 0.0027%; no homozygotes.

Submission:

Labcorp Genetics (formerly Invitae), Labcorp
Classification: Uncertain significance for Myasthenic syndrome, congenital, 22. Last evaluated: 2022-02-18. Review status: criteria provided, single submitter. Criteria: Invitae Variant Classification Sherloc (09022015). Collection method: clinical testing. Allele origin: germline.
Comment: In summary, the available evidence is currently insufficient to determine the role of this variant in disease. Therefore, it has been classified as a Variant of Uncertain Significance. Algorithms developed to predict the effect of missense changes on protein structure and function are either unavailable or do not agree on the potential impact of this missense change (SIFT: "Deleterious"; PolyPhen-2: "Benign"; Align-GVGD: "Class C0"). This variant has not been reported in the literature in individuals affected with PREPL-related conditions. This variant is present in population databases (rs761397318, gnomAD 0.007%). This sequence change replaces aspartic acid, which is acidic and polar, with histidine, which is basic and polar, at codon 191 of the PREPL protein (p.Asp191His).